The following is an entry in ClinVar:

NM_012470.4(TNPO3):c.1256G>A (p.Cys419Tyr)

Gene: TNPO3 (transportin 3; minus strand). Cytogenetic location: 7q32.1.
Variant type: single nucleotide variant.
Coding change: c.1256G>A on transcript NM_012470.4 (MANE Select); coding-DNA position 1256, G replaced by A.
Protein change: p.Cys419Tyr; replaces cysteine 419 with tyrosine.
Molecular consequence: missense variant. On other transcripts: non-coding transcript variant (18), intron variant (1).
Genome position (GRCh38, 1-based): chr7:128,993,817, C>T on the plus strand (G>A on the coding strand, the complement: TNPO3 is on the minus strand). VCF-style: chr7-128993817-C-T. GRCh37 (hg19) VCF-style: chr7-128633871-C-T.
Other names: c.1256G>A, p.Cys419Tyr (NM_001191028.3, NM_001382216.1, NM_001382218.1 and 2 more transcripts); c.1337G>A, p.Cys446Tyr (NM_001382217.1); c.1112G>A, p.Cys371Tyr (NM_001382221.1); c.1109G>A, p.Cys370Tyr (NM_001382222.1); c.1159-1727G>A (NM_001382219.1); short protein forms C419Y, C370Y, C371Y, C446Y.
Identifiers: ClinVar variation 464843 (VCV000464843.9), dbSNP rs1554438680, ClinGen allele CA369232217.

ClinVar aggregate classification (germline): Uncertain significance (1 of 4 stars; one submission).

Conditions:
Autosomal dominant limb-girdle muscular dystrophy type 1F (LGMDD2). Also called: Limb-girdle muscular dystrophy, type 1F; MUSCULAR DYSTROPHY, LIMB-GIRDLE, AUTOSOMAL DOMINANT 2. Identifiers: Orphanet 55595, MedGen C1842062, MONDO:0012034, OMIM 608423.

Submission:

Labcorp Genetics (formerly Invitae), Labcorp
Classification: Uncertain significance for Autosomal dominant limb-girdle muscular dystrophy type 1F. Last evaluated: 2017-05-16. Review status: criteria provided, single submitter. Criteria: Invitae Variant Classification Sherloc (09022015). Collection method: clinical testing. Allele origin: germline.
Comment: In summary, this variant has uncertain impact on TNPO3 function. The available evidence is currently insufficient to determine its role in disease. Therefore, it has been classified as a Variant of Uncertain Significance. Algorithms developed to predict the effect of missense changes on protein structure and function do not agree on the potential impact of this missense change (SIFT: "Deleterious"; PolyPhen-2: "Possibly Damaging"; Align-GVGD: "Class C0"). This variant has not been reported in the literature in individuals with a TNPO3-related disease. This variant is not present in population databases (ExAC no frequency). This sequence change replaces cysteine with tyrosine at codon 419 of the TNPO3 protein (p.Cys419Tyr). The cysteine residue is highly conserved and there is a large physicochemical difference between cysteine and tyrosine.